The following is an entry in ClinVar:

NM_000132.4(F8):c.2618G>A (p.Gly873Asp)

Gene: F8 (coagulation factor VIII; minus strand). Cytogenetic location: Xq28.
Variant type: single nucleotide variant.
Coding change: c.2618G>A on transcript NM_000132.4 (MANE Select); coding-DNA position 2618, G replaced by A.
Protein change: p.Gly873Asp; replaces glycine 873 with aspartic acid.
Molecular consequence: missense variant.
Genome position (GRCh38, 1-based): chrX:154,931,172, C>T on the plus strand (G>A on the coding strand, the complement: F8 is on the minus strand). VCF-style: chrX-154931172-C-T. GRCh37 (hg19) VCF-style: chrX-154159447-C-T.
Other names: short protein forms G873D.
Identifiers: ClinVar variation 1679464 (VCV001679464.7), dbSNP rs2073195544, ClinGen allele CA414901296.

ClinVar aggregate classification (germline): Uncertain significance (1 of 4 stars; one submission).

Conditions:
Hereditary factor VIII deficiency disease (HEMA). Also called: HEMOPHILIA, CLASSIC; AUTOSOMAL HEMOPHILIA A; Hemophilia A; Hemophilia A, congenital; HEM A; Factor 8 deficiency, congenital. Identifiers: Orphanet 98878, MedGen C0019069, MONDO:0010602, OMIM 306700.

Allele frequency attached by ClinVar (database versions not stated): gnomAD exomes 0.00001; TOPMed 0.00001.
gnomAD v4.1: 11 of 1,211,038 alleles (0.00091%); highest among the groups gnomAD compares: Non-Finnish European, 0.0012%; no homozygotes.

Submission:

ARUP Laboratories, Molecular Genetics and Genomics, ARUP Laboratories
Classification: Uncertain significance for Hereditary factor VIII deficiency disease. Last evaluated: 2022-01-19. Review status: criteria provided, single submitter. Criteria: ARUP Molecular Germline Variant Investigation Process 2021. Collection method: clinical testing. Allele origin: germline.
Comment: The F8 c.2618G>A; p.Gly873Asp variant, to our knowledge, is not reported in the medical literature or gene specific databases. This variant is also absent from general population databases (Exome Variant Server, Genome Aggregation Database), indicating it is not a common polymorphism. The glycine at codon 873 is weakly conserved but computational analyses are uncertain whether this variant is neutral or deleterious (REVEL: 0.236). Due to limited information, the clinical significance of the p.Gly873Asp variant is uncertain at this time.